The following is an entry in ClinVar:

NM_016169.4(SUFU):c.1450C>T (p.His484Tyr)

Gene: SUFU (SUFU negative regulator of hedgehog signaling; plus strand). Cytogenetic location: 10q24.32.
Variant type: single nucleotide variant.
Coding change: c.1450C>T on transcript NM_016169.4 (MANE Select); coding-DNA position 1450, C replaced by T.
Protein change: p.His484Tyr; replaces histidine 484 with tyrosine.
Molecular consequence: missense variant.
Genome position (GRCh38, 1-based): chr10:102,630,150, C>T. VCF-style: chr10-102630150-C-T. GRCh37 (hg19) VCF-style: chr10-104389907-C-T.
Other names: short protein forms H484Y.
Identifiers: ClinVar variation 1483899 (VCV001483899.9), dbSNP rs2135959641, ClinGen allele CA377921196.

ClinVar aggregate classification (germline): Uncertain significance. Review status: criteria provided, multiple submitters, no conflicts (2 of 4 stars). 2 submissions from 2 submitters: Uncertain significance (2). Last evaluated 2025-02-10.

Conditions:
Medulloblastoma (MDB). Also called: MEDULLOBLASTOMA PREDISPOSITION SYNDROME; Medulloblastoma, somatic. Identifiers: Orphanet 616, MedGen C0025149, MeSH D008527, MONDO:0007959, OMIM 155255, HP:0002885.
Gorlin syndrome. Also called: Nevoid Basal Cell Carcinoma Syndrome; Basal cell nevus syndrome. Identifiers: Orphanet 377, MedGen C0004779, MONDO:0007187.
Hereditary cancer-predisposing syndrome. Also called: Neoplastic Syndromes, Hereditary; Tumor predisposition; Hereditary neoplastic syndrome; Hereditary Cancer Syndrome. Identifiers: Orphanet 140162, MedGen C0027672, MeSH D009386, MONDO:0015356.

Allele frequency attached by ClinVar (database versions not stated): gnomAD exomes below 0.00001.
gnomAD v4.1: 1 of 1,614,176 alleles (0.000062%); highest among the groups gnomAD compares: South Asian, 0.0011%; no homozygotes.

Submissions (2):

Ambry Genetics
Classification: Uncertain significance for Hereditary cancer-predisposing syndrome. Last evaluated: 2025-02-10. Review status: criteria provided, single submitter. Criteria: Ambry Variant Classification Scheme 2023. Collection method: clinical testing. Allele origin: germline.
Comment: The p.H484Y variant (also known as c.1450C>T), located in coding exon 12 of the SUFU gene, results from a C to T substitution at nucleotide position 1450. The histidine at codon 484 is replaced by tyrosine, an amino acid with similar properties. This amino acid position is well conserved in available vertebrate species. In addition, this alteration is predicted to be tolerated by in silico analysis. Based on the available evidence, the clinical significance of this variant remains unclear.

Labcorp Genetics (formerly Invitae), Labcorp
Classification: Uncertain significance for Gorlin syndrome; Medulloblastoma. Last evaluated: 2022-08-09. Review status: criteria provided, single submitter. Criteria: Invitae Variant Classification Sherloc (09022015). Collection method: clinical testing. Allele origin: germline.
Comment: ClinVar contains an entry for this variant (Variation ID: 1483899). Algorithms developed to predict the effect of missense changes on protein structure and function (SIFT, PolyPhen-2, Align-GVGD) all suggest that this variant is likely to be tolerated. In summary, the available evidence is currently insufficient to determine the role of this variant in disease. Therefore, it has been classified as a Variant of Uncertain Significance. This variant has not been reported in the literature in individuals affected with SUFU-related conditions. This sequence change replaces histidine, which is basic and polar, with tyrosine, which is neutral and polar, at codon 484 of the SUFU protein (p.His484Tyr). This variant is not present in population databases (gnomAD no frequency).